The following is an entry in ClinVar:

ClinVar aggregate classification (germline): Benign/Likely benign. Review status: criteria provided, multiple submitters, no conflicts (2 of 4 stars). 5 submissions from 5 submitters: Benign (4); Likely benign (1). Last evaluated 2026-01-25.

Conditions:
Disorders of Intracellular Cobalamin Metabolism. Identifiers: MedGen CN043592.
Methylcobalamin deficiency type cblG (HMAG). Also called: HOMOCYSTINURIA-MEGALOBLASTIC ANEMIA, cblG COMPLEMENTATION TYPE; HOMOCYSTINURIA-MEGALOBLASTIC ANEMIA, cblG TYPE; Functional methionine synthase deficiency type cblG; HOMOCYSTINURIA-MEGALOBLASTIC ANEMIA DUE TO DEFECT IN COBALAMIN METABOLISM, cblG COMPLEMENTATION TYPE. Identifiers: Orphanet 2170, Orphanet 622, MedGen C1855128, MONDO:0009609, OMIM 250940.

Allele frequency attached by ClinVar (database versions not stated): gnomAD exomes 0.00048 and 0.00119; ExAC 0.00142; gnomAD 0.00405 and 0.00432; ESP Exome Variant Server 0.00461; TOPMed 0.00476; 1000 Genomes Project 0.00479; 1000 Genomes Project 30x 0.00531.
gnomAD v4.1: 1,345 of 1,613,998 alleles (0.083%); highest among the groups gnomAD compares: African/African-American, 1.5%; 9 homozygotes.

Submissions (5):

Labcorp Genetics (formerly Invitae), Labcorp
Classification: Benign for Methylcobalamin deficiency type cblG. Last evaluated: 2026-01-25. Review status: criteria provided, single submitter. Criteria: Invitae Variant Classification Sherloc (09022015). Collection method: clinical testing. Allele origin: germline.

Blueprint Genetics
Classification: Likely benign. Last evaluated: 2024-09-09. Review status: criteria provided, single submitter. Criteria: ACMG Guidelines, 2015. Collection method: clinical testing. Allele origin: germline.

CeGaT Center for Human Genetics Tuebingen
Classification: Benign. Last evaluated: 2024-03-01. Review status: criteria provided, single submitter. Criteria: CeGaT Center For Human Genetics Tuebingen Variant Classification Criteria Version 2. Collection method: clinical testing. Allele origin: germline. Affected: yes. Observed: 1 variant allele.
Comment: MTR: BP4, BP7, BS1, BS2

Illumina Laboratory Services, Illumina
Classification: Benign for Disorders of Intracellular Cobalamin Metabolism. Last evaluated: 2018-01-12. Review status: criteria provided, single submitter. Criteria: ICSL Variant Classification Criteria 13 December 2019. Collection method: clinical testing. Allele origin: germline.
Comment: This variant was observed in the ICSL laboratory as part of a predisposition screen in an ostensibly healthy population. It had not been previously curated by ICSL or reported in the Human Gene Mutation Database (HGMD: prior to June 1st, 2018), and was therefore a candidate for classification through an automated scoring system. Utilizing variant allele frequency, disease prevalence and penetrance estimates, and inheritance mode, an automated score was calculated to assess if this variant is too frequent to cause the disease. Based on the score and internal cut-off values, a variant classified as benign is not then subjected to further curation. The score for this variant resulted in a classification of benign for this disease.

GeneDx
Classification: Benign. Last evaluated: 2015-07-17. Review status: criteria provided, single submitter. Criteria: GeneDx Variant Classification (06012015). Collection method: clinical testing. Allele origin: germline. Affected: yes.
Comment: This variant is considered likely benign or benign based on one or more of the following criteria: it is a conservative change, it occurs at a poorly conserved position in the protein, it is predicted to be benign by multiple in silico algorithms, and/or has population frequency not consistent with disease.

NM_000254.3(MTR):c.1437C>T (p.Asp479=)

Gene: MTR (5-methyltetrahydrofolate-homocysteine methyltransferase; plus strand). Cytogenetic location: 1q43.
Variant type: single nucleotide variant.
Coding change: c.1437C>T on transcript NM_000254.3 (MANE Select); coding-DNA position 1437, C replaced by T.
Protein change: p.Asp479=; no amino-acid change (aspartic acid 479 retained).
Molecular consequence: synonymous variant.
Genome position (GRCh38, 1-based): chr1:236,838,521, C>T. VCF-style: chr1-236838521-C-T. GRCh37 (hg19) VCF-style: chr1-237001821-C-T.
Other names: c.1437C>T, p.Asp479= (NM_001291939.1); c.216C>T, p.Asp72= (NM_001291940.2).
Identifiers: ClinVar variation 296564 (VCV000296564.37), dbSNP rs115424814, ClinGen allele CA1474080.